The following is an entry in ClinVar:

NM_000245.4(MET):c.4154C>T (p.Ser1385Phe)

Gene: MET (MET proto-oncogene, receptor tyrosine kinase; plus strand). Cytogenetic location: 7q31.2.
Variant type: single nucleotide variant.
Coding change: c.4154C>T on transcript NM_000245.4 (MANE Select); coding-DNA position 4154, C replaced by T.
Protein change: p.Ser1385Phe; replaces serine 1385 with phenylalanine.
Molecular consequence: missense variant.
Genome position (GRCh38, 1-based): chr7:116,796,105, C>T. VCF-style: chr7-116796105-C-T. GRCh37 (hg19) VCF-style: chr7-116436159-C-T.
Other names: c.4208C>T, p.Ser1403Phe (NM_001127500.3); c.2864C>T, p.Ser955Phe (NM_001324402.2); short protein forms S1385F, S1403F, S955F.
Identifiers: ClinVar variation 3709274 (VCV003709274.3).
Genomic context (GRCh38, chr7:116,796,105, plus strand): 5'-ATCCTTCTCTGTTGTCATCAGAAGATAACGCTGATGATGAGGTGGACACACGACCAGCCT[C>T]CTTCTGGGAGACATCATAGTGCTAGTACTATGTCAAAGCAACAGTCCACACTTTGTCCAA-3'
Protein context (NP_000236.2, residues 1375-1390): ADDEVDTRPA[Ser1385Phe]FWETS

ClinVar aggregate classification (germline): Uncertain significance. Review status: criteria provided, multiple submitters, no conflicts (2 of 4 stars). 2 submissions from 2 submitters: Uncertain significance (2). Last evaluated 2025-11-10.

Conditions:
Renal cell carcinoma. Identifiers: Orphanet 217071, MedGen C0007134, MeSH D002292, MONDO:0005086, HP:0005584.
Hereditary cancer-predisposing syndrome. Also called: Hereditary neoplastic syndrome; Neoplastic Syndromes, Hereditary; Hereditary Cancer Syndrome; Tumor predisposition. Identifiers: Orphanet 140162, MedGen C0027672, MeSH D009386, MONDO:0015356.

Submissions (2):

Labcorp Genetics (formerly Invitae), Labcorp
Classification: Uncertain significance for Renal cell carcinoma. Last evaluated: 2025-11-10. Review status: criteria provided, single submitter. Criteria: Invitae Variant Classification Sherloc (09022015). Collection method: clinical testing. Allele origin: germline.
Comment: This sequence change replaces serine, which is neutral and polar, with phenylalanine, which is neutral and non-polar, at codon 1403 of the MET protein (p.Ser1403Phe). This variant is not present in population databases (gnomAD no frequency). This variant has not been reported in the literature in individuals affected with MET-related conditions. ClinVar contains an entry for this variant (Variation ID: 3709274). Experimental studies and prediction algorithms are not available or were not evaluated, and the functional significance of this variant is currently unknown. In summary, the available evidence is currently insufficient to determine the role of this variant in disease. Therefore, it has been classified as a Variant of Uncertain Significance.

Ambry Genetics
Classification: Uncertain significance for Hereditary cancer-predisposing syndrome. Last evaluated: 2025-11-04. Review status: criteria provided, single submitter. Criteria: Ambry Variant Classification Scheme 2023. Collection method: clinical testing. Allele origin: germline.
Comment: The p.S1403F variant (also known as c.4208C>T), located in coding exon 20 of the MET gene, results from a C to T substitution at nucleotide position 4208. The serine at codon 1403 is replaced by phenylalanine, an amino acid with highly dissimilar properties. This amino acid position is conserved. In addition, this alteration is predicted to be tolerated by in silico analysis. Based on the available evidence, the clinical significance of this variant remains unclear.